The following is an entry in ClinVar:

ClinVar aggregate classification (germline): Benign/Likely benign. Review status: criteria provided, multiple submitters, no conflicts (2 of 4 stars). 7 submissions from 6 submitters: Benign (4); Likely benign (2). 1 of the submissions does not count toward it. Last evaluated 2026-02-01.

Conditions:
Distal arthrogryposis type 2B1 (DA2B1). Also called: Arthrogryposis multiplex congenita distal type II with craniofacial abnormalities. Identifiers: Orphanet 1147, MedGen C5193014, MONDO:0020820, OMIM 601680.
Freeman-Sheldon syndrome (DA2A). Also called: CRANIOCARPOTARSAL DYSPLASIA; CRANIOCARPOTARSAL DYSTROPHY; Arthrogryposis, distal, type 2A (Freeman-Sheldon); WHISTLING FACE-WINDMILL VANE HAND SYNDROME. Identifiers: Orphanet 2053, MedGen C0265224, MONDO:0008675, OMIM 193700.

Allele frequency attached by ClinVar (database versions not stated): 1000 Genomes Project 0.00719; 1000 Genomes Project 30x 0.00781; TOPMed 0.01064; gnomAD 0.01191 and 0.01244; gnomAD exomes 0.01222 and 0.01496; ExAC 0.01237; ESP Exome Variant Server 0.01407.
gnomAD v4.1: 23,633 of 1,614,082 alleles (1.5%); highest among the groups gnomAD compares: Non-Finnish European, 1.6%; 210 homozygotes.

Submissions (7):

Labcorp Genetics (formerly Invitae), Labcorp
Classification: Benign. Last evaluated: 2026-02-01. Review status: criteria provided, single submitter. Criteria: Invitae Variant Classification Sherloc (09022015). Collection method: clinical testing. Allele origin: germline.

GeneDx
Classification: Likely benign. Last evaluated: 2020-09-30. Review status: criteria provided, single submitter. Criteria: GeneDx Variant Classification Process June 2021. Collection method: clinical testing. Allele origin: germline. Affected: yes.

Illumina Laboratory Services, Illumina
Classification: Benign for Distal arthrogryposis type 2B1. Last evaluated: 2018-01-13. Review status: criteria provided, single submitter. Criteria: ICSL Variant Classification Criteria 13 December 2019. Collection method: clinical testing. Allele origin: germline.
Comment: This variant was observed in the ICSL laboratory as part of a predisposition screen in an ostensibly healthy population. It had not been previously curated by ICSL or reported in the Human Gene Mutation Database (HGMD: prior to June 1st, 2018), and was therefore a candidate for classification through an automated scoring system. Utilizing variant allele frequency, disease prevalence and penetrance estimates, and inheritance mode, an automated score was calculated to assess if this variant is too frequent to cause the disease. Based on the score and internal cut-off values, a variant classified as benign is not then subjected to further curation. The score for this variant resulted in a classification of benign for this disease.

Illumina Laboratory Services, Illumina
Classification: Benign for Freeman-Sheldon syndrome. Last evaluated: 2018-01-13. Review status: criteria provided, single submitter. Criteria: ICSL Variant Classification Criteria 13 December 2019. Collection method: clinical testing. Allele origin: germline.
Comment: the same text as in the submission from Illumina Laboratory Services, Illumina above.

Breakthrough Genomics
Classification: Likely benign. Review status: criteria provided, single submitter. Criteria: ACMG Guidelines, 2015. Collection method: not provided. Allele origin: germline. Inheritance: Autosomal recessive inheritance. Affected: yes.

PreventionGenetics, part of Exact Sciences
Classification: Benign. Review status: criteria provided, single submitter. Criteria: ACMG Guidelines, 2015. Collection method: clinical testing. Allele origin: germline.

Genetic Services Laboratory, University of Chicago
Classification: Likely benign for AllHighlyPenetrant. Review status: no assertion criteria provided. Collection method: clinical testing. Allele origin: germline. Inheritance: Autosomal dominant inheritance. Not counted in ClinVar's aggregate classification.
Comment: Likely benign based on allele frequency in 1000 Genomes Project or ESP global frequency and its presence in a patient with a rare or unrelated disease phenotype. NOT Sanger confirmed.

NM_002470.4(MYH3):c.3009G>A (p.Ala1003=)

Gene: MYH3 (myosin heavy chain 3; minus strand). Cytogenetic location: 17p13.1.
Variant type: single nucleotide variant.
Coding change: c.3009G>A on transcript NM_002470.4 (MANE Select); coding-DNA position 3009, G replaced by A.
Protein change: p.Ala1003=; no amino-acid change (alanine 1003 retained).
Molecular consequence: synonymous variant.
Genome position (GRCh38, 1-based): chr17:10,639,391, C>T on the plus strand (G>A on the coding strand, the complement: MYH3 is on the minus strand). VCF-style: chr17-10639391-C-T. GRCh37 (hg19) VCF-style: chr17-10542708-C-T.
Identifiers: ClinVar variation 129655 (VCV000129655.24), dbSNP rs61735353, ClinGen allele CA153787.